The following is an entry in ClinVar:

NM_001267550.2(TTN):c.25574A>T (p.Gln8525Leu)

Gene: TTN (titin; minus strand). Cytogenetic location: 2q31.2.
Variant type: single nucleotide variant.
Coding change: c.25574A>T on transcript NM_001267550.2 (MANE Select); coding-DNA position 25574, A replaced by T.
Protein change: p.Gln8525Leu; replaces glutamine 8525 with leucine.
Molecular consequence: missense variant. On other transcripts: intron variant (3).
Genome position (GRCh38, 1-based): chr2:178,717,160, T>A on the plus strand (A>T on the coding strand, the complement: TTN is on the minus strand). VCF-style: chr2-178717160-T-A. GRCh37 (hg19) VCF-style: chr2-179581887-T-A.
Other names: c.24623A>T, p.Gln8208Leu (NM_001256850.1); c.21842A>T, p.Gln7281Leu (NM_133378.4); c.13282+20922A>T (NM_003319.4); c.13858+20922A>T (NM_133437.4); c.13657+20922A>T (NM_133432.3); short protein forms Q7281L, Q8208L, Q8525L.
Identifiers: ClinVar variation 3239189 (VCV003239189.19), dbSNP rs2077609752.

ClinVar aggregate classification (germline): Uncertain significance (1 of 4 stars; one submission).

Allele frequency attached by ClinVar (database versions not stated): gnomAD exomes below 0.00001.
gnomAD v4.1: 3 of 1,613,632 alleles (0.00019%); highest among the groups gnomAD compares: Non-Finnish European, 0.00025%; no homozygotes.

Submission:

CeGaT Center for Human Genetics Tuebingen
Classification: Uncertain significance. Last evaluated: 2025-04-01. Review status: criteria provided, single submitter. Criteria: CeGaT Center For Human Genetics Tuebingen Variant Classification Criteria Version 2. Collection method: clinical testing. Allele origin: germline. Affected: yes. Observed: 1 variant allele.
Comment: TTN: PM2, BP4